The following is an entry in ClinVar:

NM_005581.5(BCAM):c.433+8T>A

Gene: BCAM (basal cell adhesion molecule (Lutheran blood group); plus strand). Cytogenetic location: 19q13.32.
Variant type: single nucleotide variant.
Coding change: c.433+8T>A on transcript NM_005581.5 (MANE Select); 8 bases into the intron after coding-DNA position 433, T replaced by A.
Molecular consequence: intron variant.
Genome position (GRCh38, 1-based): chr19:44,812,399, T>A. VCF-style: chr19-44812399-T-A. GRCh37 (hg19) VCF-style: chr19-45315656-T-A.
Other names: c.433+8T>A (NM_001013257.2).
Identifiers: ClinVar variation 3051787 (VCV003051787.2), dbSNP rs200398713, ClinGen allele CA9504350.
Genomic context (GRCh38, chr19:44,812,399, plus strand): 5'-GAGGGCAGGGGCGGCAGGCACTGCTGAGGCCACTGCGCGGCTCAACGTGTTTGGTAAGTG[T>A]CCTCGGGCATCCCCCGAAGGGAGGCAGGCAGGGAGGGGCGCAGGGCAGGGGCTCCTGACG-3'

ClinVar aggregate classification (germline): Likely benign (0 of 4 stars; one submission).

Conditions:
BCAM-related disorder. Also called: BCAM-related condition.

Allele frequency attached by ClinVar (database versions not stated): 1000 Genomes Project 0.00020; 1000 Genomes Project 30x 0.00031; ExAC 0.00053; TOPMed 0.00059; gnomAD 0.00065; gnomAD exomes 0.00107; ESP Exome Variant Server 0.00108.
gnomAD v4.1: 1,696 of 1,614,058 alleles (0.11%); highest among the groups gnomAD compares: Non-Finnish European, 0.13%; 3 homozygotes.

Submission:

PreventionGenetics, part of Exact Sciences
Classification: Likely benign for BCAM-related condition. Last evaluated: 2020-01-17. Review status: no assertion criteria provided. Collection method: clinical testing. Allele origin: germline.
Comment: This variant is classified as likely benign based on ACMG/AMP sequence variant interpretation guidelines (Richards et al. 2015 PMID: 25741868, with internal and published modifications).